The following is an entry in ClinVar:

ClinVar aggregate classification (germline): Uncertain significance. Review status: criteria provided, multiple submitters, no conflicts (2 of 4 stars). 4 submissions from 4 submitters: Uncertain significance (4). Last evaluated 2026-01-12.

Conditions:
Imerslund-Grasbeck syndrome. Also called: Imerslund-Gräsbeck syndrome; PERNICIOUS ANEMIA, JUVENILE, DUE TO SELECTIVE INTESTINAL MALABSORPTION OF VITAMIN B12, WITH PROTEINURIA; ENTEROCYTE COBALAMIN MALABSORPTION; ENTEROCYTE INTRINSIC FACTOR RECEPTOR, DEFECT OF; Megaloblastic anemia due to inborn errors of metabolism. Identifiers: Orphanet 35858, MedGen C4551825, MONDO:0009853.
Proteinuria, chronic benign. Identifiers: MedGen C5394384, MONDO:0030042, OMIM 618884.
Imerslund-Grasbeck syndrome type 1 (IGS1). Also called: MEGALOBLASTIC ANEMIA, 1; Megaloblastic anemia 1, Finnish type; Imerslund-Gräsbeck syndrome 1. Identifiers: MedGen C4016819, MONDO:0100156, OMIM 261100.
Inborn genetic diseases. Identifiers: MedGen C0950123, MeSH D030342.

Allele frequency attached by ClinVar (database versions not stated): gnomAD exomes 0.00003 and 0.00010; ExAC 0.00005; gnomAD 0.00008 and 0.00009; TOPMed 0.00012; ESP Exome Variant Server 0.00008.
gnomAD v4.1: 59 of 1,614,096 alleles (0.0037%); highest among the groups gnomAD compares: Admixed American, 0.045%; no homozygotes.

Submissions (4):

Dasa
Classification: Uncertain significance. Last evaluated: 2026-01-12. Review status: criteria provided, single submitter. Criteria: DASA Assertion Criteria. Collection method: clinical testing. Allele origin: germline.
Comment: NM_001081.4(CUBN):c.614C>T (p.Thr205Met) is a missense variant that results in the substitution of threonine with methionine. This variant is rare in population databases. The currently available literature and clinical evidence are not sufficient to establish a definitive association between this variant and the reported condition. Therefore, this variant is classified as a variant of uncertain significance.

Labcorp Genetics (formerly Invitae), Labcorp
Classification: Uncertain significance for Imerslund-Grasbeck syndrome. Last evaluated: 2022-07-12. Review status: criteria provided, single submitter. Criteria: Invitae Variant Classification Sherloc (09022015). Collection method: clinical testing. Allele origin: germline.
Comment: This sequence change replaces threonine, which is neutral and polar, with methionine, which is neutral and non-polar, at codon 205 of the CUBN protein (p.Thr205Met). This variant is present in population databases (rs374652141, gnomAD 0.06%). This variant has not been reported in the literature in individuals affected with CUBN-related conditions. ClinVar contains an entry for this variant (Variation ID: 1380388). Algorithms developed to predict the effect of missense changes on protein structure and function are either unavailable or do not agree on the potential impact of this missense change (SIFT: "Tolerated"; PolyPhen-2: "Probably Damaging"; Align-GVGD: "Class C0"). In summary, the available evidence is currently insufficient to determine the role of this variant in disease. Therefore, it has been classified as a Variant of Uncertain Significance.

Ambry Genetics
Classification: Uncertain significance for Inborn genetic diseases. Last evaluated: 2022-05-18. Review status: criteria provided, single submitter. Criteria: Ambry Variant Classification Scheme 2023. Collection method: clinical testing. Allele origin: germline.

Fulgent Genetics
Classification: Uncertain significance for Imerslund-Grasbeck syndrome type 1; Proteinuria, chronic benign. Last evaluated: 2022-05-18. Review status: criteria provided, single submitter. Criteria: ACMG Guidelines, 2015. Collection method: clinical testing. Allele origin: unknown.

NM_001081.4(CUBN):c.614C>T (p.Thr205Met)

Genes: CUBN (cubilin; minus strand), LOC126860871 (MED14-independent group 3 enhancer GRCh37_chr10:17157167-17158366; plus strand). Cytogenetic location: 10p13.
Variant type: single nucleotide variant.
Coding change: c.614C>T on transcript NM_001081.4 (MANE Select); coding-DNA position 614, C replaced by T.
Protein change: p.Thr205Met; replaces threonine 205 with methionine.
Molecular consequence: missense variant.
Genome position (GRCh38, 1-based): chr10:17,115,577, G>A on the plus strand (C>T on the coding strand, the complement: CUBN is on the minus strand). VCF-style: chr10-17115577-G-A. GRCh37 (hg19) VCF-style: chr10-17157576-G-A.
Other names: c.614C>T (NM_001081.3); short protein forms T205M.
Identifiers: ClinVar variation 1380388 (VCV001380388.7), dbSNP rs374652141, ClinGen allele CA5425555.